The following is an entry in ClinVar:

NM_000360.4(TH):c.695+1G>C

Gene: TH (tyrosine hydroxylase; minus strand). Cytogenetic location: 11p15.5.
Variant type: single nucleotide variant.
Coding change: c.695+1G>C on transcript NM_000360.4 (MANE Select); the canonical splice donor site of the intron after coding-DNA position 695, G replaced by C.
Molecular consequence: splice donor variant.
Genome position (GRCh38, 1-based): chr11:2,167,434, C>G on the plus strand (G>C on the coding strand, the complement: TH is on the minus strand). VCF-style: chr11-2167434-C-G. GRCh37 (hg19) VCF-style: chr11-2188664-C-G.
Other names: c.776+1G>C (NM_199293.3); c.788+1G>C (NM_199292.3, NM_199292.2).
Identifiers: ClinVar variation 2679210 (VCV002679210.3), dbSNP rs2495811622, ClinGen allele CA379127270.
Genomic context (GRCh38, chr11:2,167,434, plus strand): 5'-CAGGATTCCAGGAGGCATCCCCCGGGCTCCTCCCCAGCCCCTAGCTGCACGGAGGTCTCA[C>G]CAGGTGGCAATCTCCTCGGCGGTGTACTCCACACGGGGAATCGGGTCGCCGCTGGGGAGG-3'

ClinVar aggregate classification (germline): Likely pathogenic. Review status: criteria provided, multiple submitters, no conflicts (2 of 4 stars). 2 submissions from 2 submitters: Likely pathogenic (2). Last evaluated 2024-02-29.

Conditions:
TH-deficient dopa-responsive dystonia. Also called: Tyrosine Hydroxylase-Deficient Dopa-Responsive Dystonia; Segawa syndrome, autosomal recessive; DYT-TH. Identifiers: Orphanet 101150, MedGen C2673535, MONDO:0011551, OMIM 605407.

Submissions (2):

Labcorp Genetics (formerly Invitae), Labcorp
Classification: Likely pathogenic for TH-deficient dopa-responsive dystonia. Last evaluated: 2024-02-29. Review status: criteria provided, single submitter. Criteria: Invitae Variant Classification Sherloc (09022015). Collection method: clinical testing. Allele origin: germline.
Comment: This sequence change affects a donor splice site in intron 7 of the TH gene. It is expected to disrupt RNA splicing. Variants that disrupt the donor or acceptor splice site typically lead to a loss of protein function (PMID: 16199547), and loss-of-function variants in TH are known to be pathogenic (PMID: 22264700, 24753243). This variant is not present in population databases (gnomAD no frequency). This variant has not been reported in the literature in individuals affected with TH-related conditions. Algorithms developed to predict the effect of sequence changes on RNA splicing suggest that this variant may disrupt the consensus splice site. In summary, the currently available evidence indicates that the variant is pathogenic, but additional data are needed to prove that conclusively. Therefore, this variant has been classified as Likely Pathogenic.

Baylor Genetics
Classification: Likely pathogenic for TH-deficient dopa-responsive dystonia. Last evaluated: 2023-05-03. Review status: criteria provided, single submitter. Criteria: ACMG Guidelines, 2015. Collection method: clinical testing. Allele origin: unknown.

Literature cited by the submitters: PubMed 16199547 (cited by Labcorp Genetics (formerly Invitae), Labcorp); PubMed 22264700 (cited by Labcorp Genetics (formerly Invitae), Labcorp); PubMed 24753243 (cited by Labcorp Genetics (formerly Invitae), Labcorp).